The following is an entry in ClinVar:

NM_018834.6(MATR3):c.2279A>G (p.Glu760Gly)

Gene: MATR3 (matrin 3; plus strand). Cytogenetic location: 5q31.2.
Variant type: single nucleotide variant.
Coding change: c.2279A>G on transcript NM_018834.6 (MANE Select); coding-DNA position 2279, A replaced by G.
Protein change: p.Glu760Gly; replaces glutamic acid 760 with glycine.
Molecular consequence: missense variant.
Genome position (GRCh38, 1-based): chr5:139,325,570, A>G. VCF-style: chr5-139325570-A-G. GRCh37 (hg19) VCF-style: chr5-138661259-A-G.
Other names: c.2279A>G, p.Glu760Gly (NM_001194954.2, NM_001194955.2, NM_001400447.1 and 11 more transcripts); c.1415A>G, p.Glu472Gly (NM_001194956.2); c.1265A>G, p.Glu422Gly (NM_001282278.2, NM_001400462.1, NM_001400463.1 and 4 more transcripts); c.2423A>G, p.Glu808Gly (NM_001400441.1, NM_001400442.1, NM_001400443.1 and 2 more transcripts); c.1418A>G, p.Glu473Gly (NM_001400459.1); c.1409A>G, p.Glu470Gly (NM_001400460.1); c.1379A>G, p.Glu460Gly (NM_001400461.1); short protein forms E472G, E473G, E422G, E460G, E808G, E760G, E470G.
Identifiers: ClinVar variation 2840568 (VCV002840568.3), dbSNP rs2546884308, ClinGen allele CA361146459.

ClinVar aggregate classification (germline): Uncertain significance (1 of 4 stars; one submission).

Conditions:
Amyotrophic lateral sclerosis type 21. Also called: MYOPATHY, DISTAL, 2; VOCAL CORD AND PHARYNGEAL DYSFUNCTION WITH DISTAL MYOPATHY. Identifiers: Orphanet 600, Orphanet 803, MedGen C3807521, MONDO:0011632, OMIM 606070.

Allele frequency attached by ClinVar (database versions not stated): gnomAD exomes below 0.00001.
gnomAD v4.1: 1 of 1,614,232 alleles (0.000062%); highest among the groups gnomAD compares: Non-Finnish European, 0.000085%; no homozygotes.

Submission:

Labcorp Genetics (formerly Invitae), Labcorp
Classification: Uncertain significance for Amyotrophic lateral sclerosis type 21. Last evaluated: 2023-03-08. Review status: criteria provided, single submitter. Criteria: Invitae Variant Classification Sherloc (09022015). Collection method: clinical testing. Allele origin: germline.
Comment: This variant is not present in population databases (gnomAD no frequency). This sequence change replaces glutamic acid, which is acidic and polar, with glycine, which is neutral and non-polar, at codon 760 of the MATR3 protein (p.Glu760Gly). In summary, the available evidence is currently insufficient to determine the role of this variant in disease. Therefore, it has been classified as a Variant of Uncertain Significance. Advanced modeling of protein sequence and biophysical properties (such as structural, functional, and spatial information, amino acid conservation, physicochemical variation, residue mobility, and thermodynamic stability) performed at Invitae indicates that this missense variant is not expected to disrupt MATR3 protein function. This variant has not been reported in the literature in individuals affected with MATR3-related conditions.